The following is an entry in ClinVar:

ClinVar aggregate classification (germline): Pathogenic. Review status: reviewed by expert panel (3 of 4 stars). 18 submissions from 18 submitters: Pathogenic (1). 17 of the submissions do not count toward it. Last evaluated 2016-09-08.

Conditions:
Breast-ovarian cancer, familial, susceptibility to, 2 (BROVCA2). Also called: BRCA2 Hereditary Breast and Ovarian Cancer. Identifiers: Orphanet 145, MedGen C2675520, MONDO:0012933, OMIM 612555. Disease mechanism: loss of function.
Fanconi anemia complementation group D1. Also called: BRCA2-Related Fanconi Anemia. Identifiers: Orphanet 319462, MedGen C1838457, MONDO:0011584, OMIM 605724.
Medulloblastoma (MDB). Also called: MEDULLOBLASTOMA PREDISPOSITION SYNDROME; Medulloblastoma, somatic. Identifiers: Orphanet 616, MedGen C0025149, MeSH D008527, MONDO:0007959, OMIM 155255, HP:0002885.
Pancreatic cancer, susceptibility to, 2. Identifiers: Orphanet 1333, MedGen C3150546, MONDO:0013235, OMIM 613347.
Glioma susceptibility 3 (GLM3). Also called: Glioblastoma 3. Identifiers: Orphanet 182067, Orphanet 360, MedGen C2751641, MONDO:0013093, OMIM 613029.
Wilms tumor 1 (WT1). Also called: Wilms tumor, somatic. Identifiers: Orphanet 654, MedGen CN033288, MONDO:0008679, OMIM 194070.
Familial cancer of breast. Also called: hereditary breast carcinoma; BREAST CANCER, FAMILIAL; Hereditary breast cancer. Identifiers: Orphanet 227535, MedGen C0346153, MONDO:0016419, OMIM 114480. Disease mechanism: loss of function.
Prostate cancer. Also called: Malignant tumor of prostate. Identifiers: Orphanet 1331, MedGen C0376358, MONDO:0008315, HP:0012125.
Hereditary cancer-predisposing syndrome. Also called: Hereditary Cancer Syndrome; Neoplastic Syndromes, Hereditary; Hereditary neoplastic syndrome; Tumor predisposition. Identifiers: Orphanet 140162, MedGen C0027672, MeSH D009386, MONDO:0015356.
Hereditary breast ovarian cancer syndrome. Also called: Hereditary breast and ovarian cancer syndrome; Breast and ovarian cancer; Hereditary breast and ovarian cancer syndrome (HBOC); BRCA1- and BRCA2-Associated Hereditary Breast and Ovarian Cancer; Hereditary breast and/or ovarian cancer syndrome; Hereditary breast and ovarian cancer. Identifiers: Orphanet 145, MedGen C0677776, MeSH D061325, MONDO:0003582. Disease mechanism: loss of function.

Submissions 1 to 10 of 18:

Evidence-based Network for the Interpretation of Germline Mutant Alleles (ENIGMA)
Classification: Pathogenic for Breast-ovarian cancer, familial, susceptibility to, 2. Last evaluated: 2016-09-08. Review status: reviewed by expert panel. Criteria: ENIGMA BRCA1/2 Classification Criteria (2015). Collection method: curation. Allele origin: germline.
Comment: Variant allele predicted to encode a truncated non-functional protein.

GeneDx
Classification: Pathogenic. Last evaluated: 2026-01-04. Review status: criteria provided, single submitter. Criteria: GeneDx Variant Classification Process June 2021. Collection method: clinical testing. Allele origin: germline. Affected: yes. Not counted in ClinVar's aggregate classification.
Comment: Observed in individuals with a personal or family history consistent with pathogenic variants in this gene (PMID: 16683254, 29433453, 29483665); Nonsense variant predicted to result in protein truncation or nonsense mediated decay in a gene for which loss of function is a known mechanism of disease; Truncating variants in this gene are considered pathogenic by a well-established clinical consortium and/or database; Not observed at significant frequency in large population cohorts (gnomAD); Also known as 328G>T; This variant is associated with the following publications: (PMID: 26269718, 16683254, 21523855, 25103822, 29433453, 27974384, 29483665, 30720863, 29446198, 38960732, 33461583, 33471991, 38863777)

Labcorp Genetics (formerly Invitae), Labcorp
Classification: Pathogenic for Hereditary breast ovarian cancer syndrome. Last evaluated: 2024-07-20. Review status: criteria provided, single submitter. Criteria: Invitae Variant Classification Sherloc (09022015). Collection method: clinical testing. Allele origin: germline. Not counted in ClinVar's aggregate classification.
Comment: This sequence change creates a premature translational stop signal (p.Glu34*) in the BRCA2 gene. It is expected to result in an absent or disrupted protein product. Loss-of-function variants in BRCA2 are known to be pathogenic (PMID: 20104584). This variant is not present in population databases (gnomAD no frequency). This premature translational stop signal has been observed in individual(s) with breast and/or ovarian cancer (PMID: 16683254). ClinVar contains an entry for this variant (Variation ID: 51041). Algorithms developed to predict the effect of sequence changes on RNA splicing suggest that this variant may disrupt the consensus splice site. For these reasons, this variant has been classified as Pathogenic.

Color Diagnostics, LLC DBA Color Health
Classification: Pathogenic for Hereditary cancer-predisposing syndrome. Last evaluated: 2023-06-26. Review status: criteria provided, single submitter. Criteria: ACMG Guidelines, 2015. Collection method: clinical testing. Allele origin: germline. Not counted in ClinVar's aggregate classification.
Comment: This variant changes 1 nucleotide in exon 3 of the BRCA2 gene, creating a premature translation stop signal. This variant is expected to result in an absent or non-functional protein product. This variant has been reported in over twenty individuals with a personal and/or family history of breast or ovarian cancer (PMID: 16683254, 29446198, 29483665) and in an individual affected with breast and prostate cancer (PMID: 29433453). In a large breast cancer case-control meta analysis conducted by the BRIDGES consortium, this variant was reported in 2/60466 cases and 1/53461 controls (PMID: 33471991; Leiden Open Variation Database DB-ID BRCA2_001301). This variant has not been identified in the general population by the Genome Aggregation Database (gnomAD). Loss of BRCA2 function is a known mechanism of disease. Based on the available evidence, this variant is classified as Pathogenic.

Ambry Genetics
Classification: Pathogenic for Hereditary cancer-predisposing syndrome. Last evaluated: 2023-05-25. Review status: criteria provided, single submitter. Criteria: Ambry Variant Classification Scheme 2023. Collection method: clinical testing. Allele origin: germline. Not counted in ClinVar's aggregate classification.
Comment: The p.E34* pathogenic mutation (also known as c.100G>T), located in coding exon 2 of the BRCA2 gene, results from a G to T substitution at nucleotide position 100. This changes the amino acid from a glutamic acid to a stop codon within coding exon 2. This alteration was also identified in a large, worldwide study of BRCA1/2 mutation positive families (Rebbeck TR et al. Hum. Mutat. 2018 05;39(5):593-620). RNA studies have demonstrated that this substitution results in abnormal splicing that includes two in-frame transcripts that splice out this alteration and the premature stop codon from final transcript: one transcript that removes the first 15 amino acids from coding exon 2 and one that results in the complete loss of coding exon 2 that is known to be deleterious (Ambry internal data; Caputo SM et al. Oncotarget 2018 Apr;9(25):17334-17348). Current data suggests that the presence of these transcripts is not expected to rescue function. As such, this alteration is interpreted as a disease-causing mutation.

Clinical Genetics Laboratory, Skane University Hospital Lund
Classification: Pathogenic. Last evaluated: 2022-05-27. Review status: criteria provided, single submitter. Criteria: ACMG Guidelines, 2015. Collection method: clinical testing. Allele origin: germline. Affected: yes. Not counted in ClinVar's aggregate classification.

Department of Pathology and Laboratory Medicine, Sinai Health System
Classification: Pathogenic for Familial cancer of breast; Breast-ovarian cancer, familial, susceptibility to, 2. Last evaluated: 2022-03-08. Review status: criteria provided, single submitter. Criteria: ACMG Guidelines, 2015. Collection method: clinical testing. Allele origin: germline. Affected: yes. Not counted in ClinVar's aggregate classification.

Women's Health and Genetics/Laboratory Corporation of America, LabCorp
Classification: Pathogenic for Hereditary breast ovarian cancer syndrome. Last evaluated: 2022-01-02. Review status: criteria provided, single submitter. Criteria: LabCorp Variant Classification Summary - May 2015. Collection method: clinical testing. Allele origin: germline. Not counted in ClinVar's aggregate classification.
Comment: Variant summary: BRCA2 c.100G>T (p.Glu34X) results in a premature termination codon, predicted to cause a truncation of the encoded protein or absence of the protein due to nonsense mediated decay, which are commonly known mechanisms for disease. Truncations downstream of this position have been classified as pathogenic by our laboratory. The variant was absent in 251030 control chromosomes. c.100G>T has been reported in the literature in multiple individuals affected with Hereditary Breast And Ovarian Cancer Syndrome (example, van der Hout_2006, Rebbeck_2018). These data indicate that the variant is very likely to be associated with disease. To our knowledge, no experimental evidence demonstrating an impact on protein function has been reported. Multiple clinical diagnostic laboratories, an expert panel (ENIGMA) and a consortium (CIMBA) have submitted clinical-significance assessments for this variant to ClinVar after 2014 without evidence for independent evaluation. All submitters classified the variant as pathogenic. Based on the evidence outlined above, the variant was classified as pathogenic.

GeneKor MSA
Classification: Pathogenic for Hereditary Breast Carcinoma. Last evaluated: 2020-01-01. Review status: criteria provided, single submitter. Criteria: ACMG Guidelines, 2015. Collection method: clinical testing. Allele origin: germline. Affected: yes. Not counted in ClinVar's aggregate classification.
Comment: This is a single base substitution, replacing the Glutamate at position 34 of the BRCA2 protein by a Termination codon. It results in a truncated non-functional protein. Truncating variants in the BRCA2 gene are known to be pathogenic. This mutation has been previously described in mutation databases as pathogenic.

Fulgent Genetics
Classification: Pathogenic for Familial cancer of breast; Medulloblastoma; Familial prostate cancer; Wilms tumor 1; Fanconi anemia complementation group D1; Breast-ovarian cancer, familial, susceptibility to, 2; Glioma susceptibility 3; Pancreatic cancer, susceptibility to, 2. Last evaluated: 2018-10-31. Review status: criteria provided, single submitter. Criteria: ACMG Guidelines, 2015. Collection method: clinical testing. Allele origin: unknown. Not counted in ClinVar's aggregate classification.

NM_000059.4(BRCA2):c.100G>T (p.Glu34Ter)

Gene: BRCA2 (BRCA2 DNA repair associated; plus strand). Cytogenetic location: 13q13.1.
Variant type: single nucleotide variant.
Coding change: c.100G>T on transcript NM_000059.4 (MANE Select); coding-DNA position 100, G replaced by T.
Protein change: p.Glu34Ter; replaces glutamic acid 34 with a stop codon.
Molecular consequence: nonsense.
Genome position (GRCh38, 1-based): chr13:32,319,109, G>T. VCF-style: chr13-32319109-G-T. GRCh37 (hg19) VCF-style: chr13-32893246-G-T.
Other names: short protein forms E34*.
Identifiers: ClinVar variation 51041 (VCV000051041.33), dbSNP rs80358391, ClinGen allele CA010238.